The following is an entry in ClinVar:

NM_001903.5(CTNNA1):c.16G>A (p.Ala6Thr)

Gene: CTNNA1 (catenin alpha 1; plus strand). Cytogenetic location: 5q31.2.
Variant type: single nucleotide variant.
Coding change: c.16G>A on transcript NM_001903.5 (MANE Select); coding-DNA position 16, G replaced by A.
Protein change: p.Ala6Thr; replaces alanine 6 with threonine.
Molecular consequence: missense variant. On other transcripts: 5 prime UTR variant (2).
Genome position (GRCh38, 1-based): chr5:138,781,940, G>A. VCF-style: chr5-138781940-G-A. GRCh37 (hg19) VCF-style: chr5-138117629-G-A.
Other names: c.16G>A, p.Ala6Thr (NM_001290307.3, NM_001323982.2, NM_001323983.1 and 3 more transcripts); c.-98G>A (NM_001290309.3); c.-191G>A (NM_001290310.3); short protein forms A6T.
Identifiers: ClinVar variation 819871 (VCV000819871.13), dbSNP rs776783618, ClinGen allele CA3431329.

ClinVar aggregate classification (germline): Conflicting classifications of pathogenicity. Review status: criteria provided, conflicting classifications (1 of 4 stars). 3 submissions from 3 submitters: Uncertain significance (2); Likely benign (1). Last evaluated 2025-12-23.

Conditions:
Hereditary cancer-predisposing syndrome. Also called: Neoplastic Syndromes, Hereditary; Tumor predisposition; Hereditary Cancer Syndrome; Hereditary neoplastic syndrome. Identifiers: Orphanet 140162, MedGen C0027672, MeSH D009386, MONDO:0015356.

Allele frequency attached by ClinVar (database versions not stated): gnomAD exomes below 0.00001 and 0.00001; ExAC 0.00001; gnomAD 0.00002; TOPMed 0.00002.
gnomAD v4.1: 10 of 1,592,586 alleles (0.00063%); highest among the groups gnomAD compares: Middle Eastern, 0.017%; no homozygotes.

Submissions (3):

Labcorp Genetics (formerly Invitae), Labcorp
Classification: Uncertain significance. Last evaluated: 2025-12-23. Review status: criteria provided, single submitter. Criteria: Invitae Variant Classification Sherloc (09022015). Collection method: clinical testing. Allele origin: germline.
Comment: This sequence change replaces alanine, which is neutral and non-polar, with threonine, which is neutral and polar, at codon 6 of the CTNNA1 protein (p.Ala6Thr). The frequency data for this variant in the population databases is considered unreliable, as metrics indicate poor data quality at this position in the gnomAD database. This variant has not been reported in the literature in individuals affected with CTNNA1-related conditions. ClinVar contains an entry for this variant (Variation ID: 819871). An algorithm developed to predict the effect of missense changes on protein structure and function outputs the following: PolyPhen-2: "Benign". The threonine amino acid residue is found in multiple mammalian species, which suggests that this missense change does not adversely affect protein function. In summary, the available evidence is currently insufficient to determine the role of this variant in disease. Therefore, it has been classified as a Variant of Uncertain Significance.

GeneDx
Classification: Uncertain significance. Last evaluated: 2023-07-26. Review status: criteria provided, single submitter. Criteria: GeneDx Variant Classification Process June 2021. Collection method: clinical testing. Allele origin: germline. Affected: yes.
Comment: Not observed at significant frequency in large population cohorts (gnomAD); In silico analysis supports that this missense variant does not alter protein structure/function; Identified in individuals undergoing multi-gene cancer panel testing, but personal or family history information was not provided (Clark et al., 2020); This variant is associated with the following publications: (PMID: 32051609)

Ambry Genetics
Classification: Likely benign for Hereditary cancer-predisposing syndrome. Last evaluated: 2019-04-03. Review status: criteria provided, single submitter. Criteria: Ambry Variant Classification Scheme 2023. Collection method: clinical testing. Allele origin: germline.